The following is an entry in ClinVar:

NM_000163.5(GHR):c.628A>G (p.Ile210Val)

Gene: GHR (growth hormone receptor; plus strand). Cytogenetic location: 5p12.
Variant type: single nucleotide variant.
Coding change: c.628A>G on transcript NM_000163.5 (MANE Select); coding-DNA position 628, A replaced by G.
Protein change: p.Ile210Val; replaces isoleucine 210 with valine.
Molecular consequence: missense variant.
Genome position (GRCh38, 1-based): chr5:42,711,216, A>G. VCF-style: chr5-42711216-A-G. GRCh37 (hg19) VCF-style: chr5-42711318-A-G.
Other names: c.628A>G (NM_000163.4); c.649A>G, p.Ile217Val (NM_001242399.2); c.628A>G, p.Ile210Val (NM_001242400.2, NM_001242401.4, NM_001242402.2 and 5 more transcripts); c.562A>G, p.Ile188Val (NM_001242460.2); short protein forms I188V, I210V, I217V.
Identifiers: ClinVar variation 2420243 (VCV002420243.8), dbSNP rs146044217, ClinGen allele CA3254459.

ClinVar aggregate classification (germline): Conflicting classifications of pathogenicity. Review status: criteria provided, conflicting classifications (1 of 4 stars). 3 submissions from 3 submitters: Uncertain significance (1); Likely benign (2). Last evaluated 2025-07-01.

Conditions:
Inborn genetic diseases. Identifiers: MedGen C0950123, MeSH D030342.

Allele frequency attached by ClinVar (database versions not stated): gnomAD exomes 0.00001; ExAC 0.00002; gnomAD 0.00005; TOPMed 0.00009; ESP Exome Variant Server 0.00015.
gnomAD v4.1: 23 of 1,612,876 alleles (0.0014%); highest among the groups gnomAD compares: African/African-American, 0.027%; no homozygotes.

Submissions (3):

Women's Health and Genetics/Laboratory Corporation of America, LabCorp
Classification: Uncertain significance. Last evaluated: 2025-07-01. Review status: criteria provided, single submitter. Criteria: LabCorp Variant Classification Summary - May 2015. Collection method: clinical testing. Allele origin: germline.
Comment: Variant summary: GHR c.628A>G (p.Ile210Val) results in a conservative amino acid change in the encoded protein sequence. Algorithms developed to predict the effect of missense changes on protein structure and function all suggest that this variant is likely to be tolerated. The variant allele was found at a frequency of 2e-05 in 251334 control chromosomes. The available data on variant occurrences in the general population are insufficient to allow any conclusion about variant significance. To our knowledge, no occurrence of c.628A>G in individuals affected with Growth Hormone Insensitivity and no experimental evidence demonstrating its impact on protein function have been reported. ClinVar contains an entry for this variant (Variation ID: 2420243). Based on the evidence outlined above, the variant was classified as uncertain significance.

Labcorp Genetics (formerly Invitae), Labcorp
Classification: Likely benign. Last evaluated: 2024-12-16. Review status: criteria provided, single submitter. Criteria: Invitae Variant Classification Sherloc (09022015). Collection method: clinical testing. Allele origin: germline.

Ambry Genetics
Classification: Likely benign for Inborn genetic diseases. Last evaluated: 2024-12-10. Review status: criteria provided, single submitter. Criteria: Ambry Variant Classification Scheme 2023. Collection method: clinical testing. Allele origin: germline.